The following is an entry in ClinVar:

NM_000535.7(PMS2):c.1687C>A (p.Arg563=)

Gene: PMS2 (PMS1 homolog 2, mismatch repair system component; minus strand). Cytogenetic location: 7p22.1.
Variant type: single nucleotide variant.
Coding change: c.1687C>A on transcript NM_000535.7 (MANE Select); coding-DNA position 1687, C replaced by A.
Protein change: p.Arg563=; no amino-acid change (arginine 563 retained).
Molecular consequence: synonymous variant. On other transcripts: non-coding transcript variant (1).
Genome position (GRCh38, 1-based): chr7:5,987,078, G>T on the plus strand (C>A on the coding strand, the complement: PMS2 is on the minus strand). VCF-style: chr7-5987078-G-T. GRCh37 (hg19) VCF-style: chr7-6026709-G-T.
Other names: c.1282C>A, p.Arg428= (NM_001322003.2, NM_001322004.2, NM_001322005.2 and 1 more transcripts); c.1531C>A, p.Arg511= (NM_001322006.2); c.1369C>A, p.Arg457= (NM_001322007.2, NM_001322008.2); c.1126C>A, p.Arg376= (NM_001322010.2); c.754C>A, p.Arg252= (NM_001322011.2, NM_001322012.2); c.1114C>A, p.Arg372= (NM_001322013.2); c.1687C>A, p.Arg563= (NM_001322014.2); c.1378C>A, p.Arg460= (NM_001322015.2).
Identifiers: ClinVar variation 230426 (VCV000230426.24), dbSNP rs587778618, ClinGen allele CA045125.
Genomic context (GRCh38, chr7:5,987,078, plus strand): 5'-CTTCTTTTTTAAAACGCTTTGTGTTTGGGGTTGCGAGATTAGTTGGCTGAGGCAAAACTC[G>T]AAATTTACATCCGGTATCTTCCTGGTTTGAATGGCAGTCCACATCTGAAAAAGAGTCGTC-3'
Protein context (NP_000526.2, residues 553-573): SNQEDTGCKF[Arg563=]VLPQPTNLAT

ClinVar aggregate classification (germline): Benign/Likely benign. Review status: criteria provided, multiple submitters, no conflicts (2 of 4 stars). 8 submissions from 8 submitters: Benign (1); Likely benign (7). Last evaluated 2025-09-05.

Conditions:
Hereditary cancer-predisposing syndrome. Also called: Neoplastic Syndromes, Hereditary; Hereditary Cancer Syndrome; Tumor predisposition; Hereditary neoplastic syndrome. Identifiers: Orphanet 140162, MedGen C0027672, MeSH D009386, MONDO:0015356.
Lynch syndrome. Identifiers: Orphanet 144, MedGen C4552100, MONDO:0005835. Disease mechanism: loss of function.
Lynch syndrome 4 (LYNCH4). Also called: Hereditary non-polyposis colorectal cancer, type 4; Colorectal cancer, hereditary nonpolyposis, type 4. Identifiers: Orphanet 144, MedGen C1838333, MONDO:0013699, OMIM 614337. Disease mechanism: loss of function.
Hereditary nonpolyposis colorectal neoplasms. Identifiers: MedGen C0009405, MeSH D003123.

Allele frequency attached by ClinVar (database versions not stated): TOPMed below 0.00001; gnomAD 0.00001.
gnomAD v4.1: 15 of 1,614,002 alleles (0.00093%); highest among the groups gnomAD compares: Non-Finnish European, 0.0013%; no homozygotes.

Submissions (8):

Labcorp Genetics (formerly Invitae), Labcorp
Classification: Likely benign for Hereditary nonpolyposis colorectal neoplasms. Last evaluated: 2025-09-05. Review status: criteria provided, single submitter. Criteria: Invitae Variant Classification Sherloc (09022015). Collection method: clinical testing. Allele origin: germline.

Myriad Genetics, Inc.
Classification: Benign for Lynch syndrome 4. Last evaluated: 2025-01-31. Review status: criteria provided, single submitter. Criteria: Myriad Autosomal Dominant, Autosomal Recessive and X-Linked Classification Criteria (2023). Collection method: clinical testing. Allele origin: unknown.
Comment: This variant is considered benign. This variant is a silent/synonymous amino acid change and it is not expected to impact splicing.

All of Us Research Program, National Institutes of Health
Classification: Likely benign for Lynch syndrome. Last evaluated: 2024-05-14. Review status: criteria provided, single submitter. Criteria: ACMG Guidelines, 2015. Collection method: clinical testing. Allele origin: germline. Inheritance: Autosomal dominant inheritance. Observed: 3 variant alleles, 3 heterozygotes.
Comment: This study involves interpretation of variants in research participants for the purpose of population health screening. Participant phenotype was not available at the time of variant classification. Additional details can be found in publication PMID: 35346344, PMCID: PMC8962531

Blueprint Genetics
Classification: Likely benign. Last evaluated: 2024-02-05. Review status: criteria provided, single submitter. Criteria: ACMG Guidelines, 2015. Collection method: clinical testing. Allele origin: germline.

Sema4
Classification: Likely benign for Hereditary cancer-predisposing syndrome. Last evaluated: 2022-03-01. Review status: criteria provided, single submitter. Criteria: Sema4 Curation Guidelines. Collection method: curation. Allele origin: germline.

Women's Health and Genetics/Laboratory Corporation of America, LabCorp
Classification: Likely benign. Last evaluated: 2020-05-23. Review status: criteria provided, single submitter. Criteria: LabCorp Variant Classification Summary - May 2015. Collection method: clinical testing. Allele origin: germline.

Color Diagnostics, LLC DBA Color Health
Classification: Likely benign for Hereditary cancer-predisposing syndrome. Last evaluated: 2019-03-15. Review status: criteria provided, single submitter. Criteria: ACMG Guidelines, 2015. Collection method: clinical testing. Allele origin: germline.

Ambry Genetics
Classification: Likely benign for Hereditary cancer-predisposing syndrome. Last evaluated: 2015-02-24. Review status: criteria provided, single submitter. Criteria: Ambry Variant Classification Scheme 2023. Collection method: clinical testing. Allele origin: germline.